The following is an entry in ClinVar:

ClinVar aggregate classification (germline): Likely benign (1 of 4 stars; one submission).

Allele frequency attached by ClinVar (database versions not stated): gnomAD 0.00001; TOPMed 0.00005.
gnomAD v4.1: 70 of 1,614,004 alleles (0.0043%); highest among the groups gnomAD compares: Non-Finnish European, 0.0058%; no homozygotes.

Submission:

GeneDx
Classification: Likely benign. Last evaluated: 2017-12-05. Review status: criteria provided, single submitter. Criteria: GeneDx Variant Classification (06012015). Collection method: clinical testing. Allele origin: germline. Affected: yes.
Comment: This variant is considered likely benign or benign based on one or more of the following criteria: it is a conservative change, it occurs at a poorly conserved position in the protein, it is predicted to be benign by multiple in silico algorithms, and/or has population frequency not consistent with disease.

NM_144628.4(TBC1D20):c.549C>T (p.Asp183=)

Gene: TBC1D20 (TBC1 domain family member 20; minus strand). Cytogenetic location: 20p13.
Variant type: single nucleotide variant.
Coding change: c.549C>T on transcript NM_144628.4 (MANE Select); coding-DNA position 549, C replaced by T.
Protein change: p.Asp183=; no amino-acid change (aspartic acid 183 retained).
Molecular consequence: synonymous variant. On other transcripts: non-coding transcript variant (1).
Genome position (GRCh38, 1-based): chr20:441,665, G>A on the plus strand (C>T on the coding strand, the complement: TBC1D20 is on the minus strand). VCF-style: chr20-441665-G-A. GRCh37 (hg19) VCF-style: chr20-422309-G-A.
Identifiers: ClinVar variation 506842 (VCV000506842.1), dbSNP rs767372895, ClinGen allele CA9723601.